The following is an entry in ClinVar:

ClinVar aggregate classification (germline): Likely benign (1 of 4 stars; one submission).

gnomAD v4.1: 2 of 680,220 alleles (0.00029%); highest among the groups gnomAD compares: Non-Finnish European, 0.00021%; no homozygotes.

Submission:

Molecular Diagnostic Laboratory for Inherited Cardiovascular Disease, Montreal Heart Institute
Classification: Likely benign. Last evaluated: 2026-03-27. Review status: criteria provided, single submitter. Criteria: ACMG Guidelines, 2015. Collection method: clinical testing. Allele origin: germline. Affected: no.
Comment: BP7

NM_000384.3(APOB):c.39G>A (p.Ala13=)

Genes: APOB (apolipoprotein B; minus strand), LOC106560211 (APOB 5' regulatory region; plus strand). Cytogenetic location: 2p24.1.
Variant type: single nucleotide variant.
Coding change: c.39G>A on transcript NM_000384.3 (MANE Select); coding-DNA position 39, G replaced by A.
Protein change: p.Ala13=; no amino-acid change (alanine 13 retained).
Molecular consequence: synonymous variant.
Genome position (GRCh38, 1-based): chr2:21,043,907, C>T on the plus strand (G>A on the coding strand, the complement: APOB is on the minus strand). VCF-style: chr2-21043907-C-T. GRCh37 (hg19) VCF-style: chr2-21266779-C-T.
Identifiers: ClinVar variation 4820401 (VCV004820401.1).